The following is an entry in ClinVar:

NM_207346.3(TSEN54):c.1429G>A (p.Gly477Arg)

Gene: TSEN54 (tRNA splicing endonuclease subunit 54; plus strand). Cytogenetic location: 17q25.1.
Variant type: single nucleotide variant.
Coding change: c.1429G>A on transcript NM_207346.3 (MANE Select); coding-DNA position 1429, G replaced by A.
Protein change: p.Gly477Arg; replaces glycine 477 with arginine.
Molecular consequence: missense variant.
Genome position (GRCh38, 1-based): chr17:75,523,778, G>A. VCF-style: chr17-75523778-G-A. GRCh37 (hg19) VCF-style: chr17-73519859-G-A.
Other names: short protein forms G477R.
Identifiers: ClinVar variation 2505964 (VCV002505964.1), dbSNP rs1179908537, ClinGen allele CA401030958.

ClinVar aggregate classification (germline): Uncertain significance (1 of 4 stars; one submission).

Allele frequency attached by ClinVar (database versions not stated): gnomAD exomes below 0.00001.

Submission:

GeneDx
Classification: Uncertain significance. Last evaluated: 2022-12-14. Review status: criteria provided, single submitter. Criteria: GeneDx Variant Classification Process June 2021. Collection method: clinical testing. Allele origin: germline. Affected: yes.
Comment: Not observed at significant frequency in large population cohorts (gnomAD); In silico analysis supports that this missense variant does not alter protein structure/function; Has not been previously published as pathogenic or benign to our knowledge; In silico analysis suggests this variant may impact gene splicing. In the absence of RNA/functional studies, the actual effect of this sequence change is unknown.